The following is an entry in ClinVar:

NM_002332.3(LRP1):c.2323G>C (p.Ala775Pro)

Gene: LRP1 (LDL receptor related protein 1; plus strand). Cytogenetic location: 12q13.3.
Variant type: single nucleotide variant.
Coding change: c.2323G>C on transcript NM_002332.3 (MANE Select); coding-DNA position 2323, G replaced by C.
Protein change: p.Ala775Pro; replaces alanine 775 with proline.
Molecular consequence: missense variant.
Genome position (GRCh38, 1-based): chr12:57,162,437, G>C. VCF-style: chr12-57162437-G-C. GRCh37 (hg19) VCF-style: chr12-57556220-G-C.
Other names: short protein forms A775P.
Identifiers: ClinVar variation 2643113 (VCV002643113.24), dbSNP rs34714459, ClinGen allele CA6642736.

ClinVar aggregate classification (germline): Likely benign (1 of 4 stars; one submission).

Allele frequency attached by ClinVar (database versions not stated): ESP Exome Variant Server 0.00138; TOPMed 0.00198; 1000 Genomes Project 30x 0.00250; 1000 Genomes Project 0.00260.
gnomAD v4.1: 3,785 of 1,614,022 alleles (0.23%); highest among the groups gnomAD compares: Admixed American, 0.19%; 22 homozygotes.

Submission:

CeGaT Center for Human Genetics Tuebingen
Classification: Likely benign. Last evaluated: 2022-08-01. Review status: criteria provided, single submitter. Criteria: CeGaT Center For Human Genetics Tuebingen Variant Classification Criteria Version 2. Collection method: clinical testing. Allele origin: germline. Affected: yes. Observed: 1 variant allele.
Comment: LRP1: PP2, BP4, BS2